The following is an entry in ClinVar:

NM_015335.5(MED13L):c.1248T>G (p.Asp416Glu)

Gene: MED13L (mediator complex subunit 13L; minus strand). Cytogenetic location: 12q24.21.
Variant type: single nucleotide variant.
Coding change: c.1248T>G on transcript NM_015335.5 (MANE Select); coding-DNA position 1248, T replaced by G.
Protein change: p.Asp416Glu; replaces aspartic acid 416 with glutamic acid.
Molecular consequence: missense variant.
Genome position (GRCh38, 1-based): chr12:116,012,829, A>C on the plus strand (T>G on the coding strand, the complement: MED13L is on the minus strand). VCF-style: chr12-116012829-A-C. GRCh37 (hg19) VCF-style: chr12-116450634-A-C.
Other names: short protein forms D416E.
Identifiers: ClinVar variation 3632629 (VCV003632629.2).
Genomic context (GRCh38, chr12:116,012,829, plus strand): 5'-TTACTATTTTGCCTTTTTTATTACCTACCTGGAACAAGAACAGCTGACTCTTTGGGTTGG[A>C]TCCACAAAATCCCAAGTAGCAGGATTGCTAGCAGGCTCTTCTTCAAGAGTTGGAGTTGAC-3'
Protein context (NP_056150.1, residues 406-426): ASNPATWDFV[Asp416Glu]PTQRVSCSCS

ClinVar aggregate classification (germline): Uncertain significance (1 of 4 stars; one submission).

Conditions:
Dextro-looped transposition of the great arteries. Also called: Dextrotransposition of the great arteries. Identifiers: Orphanet 860, MedGen C3531771, MONDO:0019443, OMIM 608808, HP:0031348.

Submission:

Labcorp Genetics (formerly Invitae), Labcorp
Classification: Uncertain significance for Dextro-looped transposition of the great arteries. Last evaluated: 2025-06-09. Review status: criteria provided, single submitter. Criteria: Invitae Variant Classification Sherloc (09022015). Collection method: clinical testing. Allele origin: germline.
Comment: This sequence change replaces aspartic acid, which is acidic and polar, with glutamic acid, which is acidic and polar, at codon 416 of the MED13L protein (p.Asp416Glu). This variant is not present in population databases (gnomAD no frequency). This variant has not been reported in the literature in individuals affected with MED13L-related conditions. ClinVar contains an entry for this variant (Variation ID: 3632629). Invitae Evidence Modeling of protein sequence and biophysical properties (such as structural, functional, and spatial information, amino acid conservation, physicochemical variation, residue mobility, and thermodynamic stability) indicates that this missense variant is not expected to disrupt MED13L protein function with a negative predictive value of 80%. In summary, the available evidence is currently insufficient to determine the role of this variant in disease. Therefore, it has been classified as a Variant of Uncertain Significance.